The following is an entry in ClinVar:

ClinVar aggregate classification (germline): Uncertain significance (1 of 4 stars; one submission).

Conditions:
Megaconial type congenital muscular dystrophy (MDCMC). Also called: MUSCULAR DYSTROPHY, CONGENITAL, WITH MITOCHONDRIAL STRUCTURAL ABNORMALITIES; CHKB-Related Muscle Diseases; CHKB-Related Muscular Dystrophy. Identifiers: Orphanet 280671, MedGen C1865233, MONDO:0011246, OMIM 602541.

Allele frequency attached by ClinVar (database versions not stated): gnomAD exomes below 0.00001 and 0.00001; TOPMed below 0.00001; ExAC 0.00001; ESP Exome Variant Server 0.00008.
gnomAD v4.1: 3 of 1,614,046 alleles (0.00019%); highest among the groups gnomAD compares: Non-Finnish European, 0.00025%; no homozygotes.

Submission:

Labcorp Genetics (formerly Invitae), Labcorp
Classification: Uncertain significance for Megaconial type congenital muscular dystrophy. Last evaluated: 2022-07-05. Review status: criteria provided, single submitter. Criteria: Invitae Variant Classification Sherloc (09022015). Collection method: clinical testing. Allele origin: germline.
Comment: This variant is present in population databases (rs370202172, gnomAD 0.0009%). In summary, the available evidence is currently insufficient to determine the role of this variant in disease. Therefore, it has been classified as a Variant of Uncertain Significance. Algorithms developed to predict the effect of sequence changes on RNA splicing suggest that this variant may create or strengthen a splice site. Algorithms developed to predict the effect of missense changes on protein structure and function (SIFT, PolyPhen-2, Align-GVGD) all suggest that this variant is likely to be tolerated. ClinVar contains an entry for this variant (Variation ID: 1034762). This variant has not been reported in the literature in individuals affected with CHKB-related conditions. This sequence change replaces alanine, which is neutral and non-polar, with valine, which is neutral and non-polar, at codon 298 of the CHKB protein (p.Ala298Val).

NM_005198.5(CHKB):c.893C>T (p.Ala298Val)

Genes: CHKB (choline kinase beta; minus strand), CHKB-CPT1B (CHKB-CPT1B readthrough (NMD candidate); minus strand). Cytogenetic location: 22q13.33.
Variant type: single nucleotide variant.
Coding change: c.893C>T on transcript NM_005198.5 (MANE Select); coding-DNA position 893, C replaced by T.
Protein change: p.Ala298Val; replaces alanine 298 with valine.
Molecular consequence: missense variant. On other transcripts: non-coding transcript variant (1).
Genome position (GRCh38, 1-based): chr22:50,580,008, G>A on the plus strand (C>T on the coding strand, the complement: CHKB is on the minus strand). VCF-style: chr22-50580008-G-A. GRCh37 (hg19) VCF-style: chr22-51018437-G-A.
Other names: short protein forms A298V.
Identifiers: ClinVar variation 1034762 (VCV001034762.8), dbSNP rs370202172, ClinGen allele CA10323600.